The following is an entry in ClinVar:

ClinVar aggregate classification (germline): Likely benign (1 of 4 stars; one submission).

Conditions:
Wilson disease (WND). Also called: Wilson's disease. Identifiers: Orphanet 905, MedGen C0019202, MONDO:0010200, OMIM 277900. Disease mechanism: loss of function.

gnomAD v4.1: 3 of 1,614,078 alleles (0.00019%); highest among the groups gnomAD compares: African/African-American, 0.0027%; no homozygotes.

Submission:

All of Us Research Program, National Institutes of Health
Classification: Likely benign for Wilson disease. Last evaluated: 2024-04-16. Review status: criteria provided, single submitter. Criteria: ACMG Guidelines, 2015. Collection method: clinical testing. Allele origin: germline. Inheritance: Autosomal recessive inheritance. Observed: 1 variant allele, 1 heterozygote.
Comment: This study involves interpretation of variants in research participants for the purpose of population health screening. Participant phenotype was not available at the time of variant classification. Additional details can be found in publication PMID: 35346344, PMCID: PMC8962531

NM_000053.4(ATP7B):c.1587G>A (p.Glu529=)

Gene: ATP7B (ATPase copper transporting beta; minus strand). Cytogenetic location: 13q14.3.
Variant type: single nucleotide variant.
Coding change: c.1587G>A on transcript NM_000053.4 (MANE Select); coding-DNA position 1587, G replaced by A.
Protein change: p.Glu529=; no amino-acid change (glutamic acid 529 retained).
Molecular consequence: synonymous variant. On other transcripts: intron variant (1).
Genome position (GRCh38, 1-based): chr13:51,968,564, C>T on the plus strand (G>A on the coding strand, the complement: ATP7B is on the minus strand). VCF-style: chr13-51968564-C-T. GRCh37 (hg19) VCF-style: chr13-52542700-C-T.
Other names: c.1587G>A, p.Glu529= (NM_001005918.3, NM_001330578.2, NM_001330579.2 and 26 more transcripts); c.1254G>A, p.Glu418= (NM_001243182.2); c.1554G>A, p.Glu518= (NM_001406514.1, NM_001406524.1); c.1491G>A, p.Glu497= (NM_001406517.1, NM_001406518.1, NM_001406530.1 and 3 more transcripts); c.1158G>A, p.Glu386= (NM_001406539.1); c.1285+5371G>A (NM_001406548.1).
Identifiers: ClinVar variation 3385609 (VCV003385609.1).